The following is an entry in ClinVar:

NM_001130987.2(DYSF):c.301A>G (p.Ser101Gly)

Gene: DYSF (dysferlin; plus strand). Cytogenetic location: 2p13.2.
Variant type: single nucleotide variant.
Coding change: c.301A>G on transcript NM_001130987.2 (MANE Select); coding-DNA position 301, A replaced by G.
Protein change: p.Ser101Gly; replaces serine 101 with glycine.
Molecular consequence: missense variant.
Genome position (GRCh38, 1-based): chr2:71,503,275, A>G. VCF-style: chr2-71503275-A-G. GRCh37 (hg19) VCF-style: chr2-71730405-A-G.
Other names: c.301A>G, p.Ser101Gly (NM_001130455.2, NM_001130982.2, NM_001130983.2 and 3 more transcripts); c.298A>G, p.Ser100Gly (NM_001130976.2, NM_001130977.2, NM_001130978.2 and 4 more transcripts); short protein forms S100G, S101G.
Identifiers: ClinVar variation 471293 (VCV000471293.8), dbSNP rs1553518141, ClinGen allele CA347204412.

ClinVar aggregate classification (germline): Uncertain significance (1 of 4 stars; one submission).

Conditions:
Neuromuscular disease caused by qualitative or quantitative defects of dysferlin. Also called: Dysferlinopathy; Qualitative or quantitative defects of dysferlin. Identifiers: Orphanet 207073, MedGen C2931687, MONDO:0016145.

Submission:

Labcorp Genetics (formerly Invitae), Labcorp
Classification: Uncertain significance for Neuromuscular disease caused by qualitative or quantitative defects of dysferlin. Last evaluated: 2016-10-01. Review status: criteria provided, single submitter. Criteria: Invitae Variant Classification Sherloc (09022015). Collection method: clinical testing. Allele origin: germline.
Comment: In summary, this variant is a novel missense change that is not predicted to affect protein function. There is no indication that it causes disease, but the available evidence is currently insufficient to prove that conclusively. Therefore, it has been classified as a Variant of Uncertain Significance. Algorithms developed to predict the effect of missense changes on protein structure and function (SIFT, PolyPhen-2, Align-GVGD) all suggest that this variant is likely to be tolerated, but these predictions have not been confirmed by published functional studies. This variant is not present in population databases (ExAC no frequency) and has not been reported in the literature in individuals with a DYSF-related disease. This sequence change replaces serine with glycine at codon 100 of the DYSF protein (p.Ser100Gly). The serine residue is moderately conserved and there is a small physicochemical difference between serine and glycine.